The following is an entry in ClinVar:

NM_002473.6(MYH9):c.5026A>G (p.Lys1676Glu)

Gene: MYH9 (myosin heavy chain 9; minus strand). Cytogenetic location: 22q12.3.
Variant type: single nucleotide variant.
Coding change: c.5026A>G on transcript NM_002473.6 (MANE Select); coding-DNA position 5026, A replaced by G.
Protein change: p.Lys1676Glu; replaces lysine 1676 with glutamic acid.
Molecular consequence: missense variant.
Genome position (GRCh38, 1-based): chr22:36,286,753, T>C on the plus strand (A>G on the coding strand, the complement: MYH9 is on the minus strand). VCF-style: chr22-36286753-T-C. GRCh37 (hg19) VCF-style: chr22-36682799-T-C.
Other names: c.5026A>G (NM_002473.5); short protein forms K1676E.
Identifiers: ClinVar variation 164421 (VCV000164421.66), dbSNP rs138158369, ClinGen allele CA177069.

ClinVar aggregate classification (germline): Conflicting classifications of pathogenicity. Review status: criteria provided, conflicting classifications (1 of 4 stars). 10 submissions from 9 submitters: Uncertain significance (1); Benign (2); Likely benign (6). 1 of the submissions does not count toward it. Last evaluated 2026-03-11.

Conditions:
MYH9-related disorder. Identifiers: MedGen C1854520.
Autosomal dominant nonsyndromic hearing loss 17. Also called: Autosomal dominant nonsyndromic deafness 17; Deafness, autosomal dominant 17. Identifiers: Orphanet 90635, MedGen C1863659, MONDO:0011350, OMIM 603622.
Hearing impairment. Also called: Impaired Hearing. Identifiers: MedGen C1384666, MONDO:0005365, HP:0000365.

Allele frequency attached by ClinVar (database versions not stated): ExAC 0.00027; gnomAD exomes 0.00033 and 0.00056; TOPMed 0.00041; gnomAD 0.00044 and 0.00046; ESP Exome Variant Server 0.00085.
gnomAD v4.1: 880 of 1,613,138 alleles (0.055%); highest among the groups gnomAD compares: Non-Finnish European, 0.066%; 1 homozygote.

Submissions (10):

Women's Health and Genetics/Laboratory Corporation of America, LabCorp
Classification: Likely benign. Last evaluated: 2026-03-11. Review status: criteria provided, single submitter. Criteria: LabCorp Variant Classification Summary - May 2015. Collection method: clinical testing. Allele origin: germline.
Comment: Variant summary: MYH9 c.5026A>G (p.Lys1676Glu) results in a conservative amino acid change located in the myosin tail domain (IPR002928) of the encoded protein sequence. Algorithms developed to predict the effect of missense changes on protein structure and function are either unavailable or do not agree on the potential impact of this missense change. The variant allele was found at a frequency of 0.00055 in 1613138 control chromosomes, predominantly at a frequency of 0.0018 within the Ashkenazi Jewish subpopulation in the gnomAD v4 database, including one homozygote. The observed variant frequency within Ashkenazi Jewish control individuals in the gnomAD database exceeds the estimated maximal expected allele frequency for disease-causing variants in MYH9. c.5026A>G has been observed in individual(s) affected with Macrothrombocytopenia And Granulocyte Inclusions With Or Without Nephritis Or Sensorineural Hearing Loss. These report(s) do not provide unequivocal conclusions about association of the variant with Macrothrombocytopenia And Granulocyte Inclusions With Or Without Nephritis Or Sensorineural Hearing Loss. To our knowledge, no experimental evidence demonstrating an impact on protein function has been reported. ClinVar contains an entry for this variant (Variation ID: 164421). Based on the evidence outlined above, the variant was classified as likely benign.

Labcorp Genetics (formerly Invitae), Labcorp
Classification: Likely benign. Last evaluated: 2026-01-27. Review status: criteria provided, single submitter. Criteria: Invitae Variant Classification Sherloc (09022015). Collection method: clinical testing. Allele origin: germline.

CeGaT Center for Human Genetics Tuebingen
Classification: Likely benign. Last evaluated: 2025-11-01. Review status: criteria provided, single submitter. Criteria: CeGaT Center For Human Genetics Tuebingen Variant Classification Criteria Version 2. Collection method: clinical testing. Allele origin: germline. Affected: yes. Observed: 6 variant alleles.
Comment: MYH9: BS2

Blueprint Genetics
Classification: Likely benign. Last evaluated: 2024-11-22. Review status: criteria provided, single submitter. Criteria: ACMG Guidelines, 2015. Collection method: clinical testing. Allele origin: germline.

GeneDx
Classification: Likely benign. Last evaluated: 2022-07-12. Review status: criteria provided, single submitter. Criteria: GeneDx Variant Classification Process June 2021. Collection method: clinical testing. Allele origin: germline. Affected: yes.
Comment: In silico analysis supports that this missense variant has a deleterious effect on protein structure/function; Has not been previously published as pathogenic or benign to our knowledge

Department of Otolaryngology – Head & Neck Surgery, Cochlear Implant Center
Classification: Benign for Hearing impairment. Last evaluated: 2021-04-12. Review status: criteria provided, single submitter. Criteria: ClinGen HL ACMG Specifications v1. Collection method: clinical testing. Allele origin: germline. Affected: yes.
Comment: PP3_Supporting, BS1_Strong, BS2_Strong

Illumina Laboratory Services, Illumina
Classification: Benign for MYH9-related disorder. Last evaluated: 2018-01-13. Review status: criteria provided, single submitter. Criteria: ICSL Variant Classification Criteria 13 December 2019. Collection method: clinical testing. Allele origin: germline.
Comment: This variant was observed in the ICSL laboratory as part of a predisposition screen in an ostensibly healthy population. It had not been previously curated by ICSL or reported in the Human Gene Mutation Database (HGMD: prior to June 1st, 2018), and was therefore a candidate for classification through an automated scoring system. Utilizing variant allele frequency, disease prevalence and penetrance estimates, and inheritance mode, an automated score was calculated to assess if this variant is too frequent to cause the disease. Based on the score and internal cut-off values, a variant classified as benign is not then subjected to further curation. The score for this variant resulted in a classification of benign for this disease.

Illumina Laboratory Services, Illumina
Classification: Likely benign for Autosomal dominant nonsyndromic hearing loss 17. Last evaluated: 2018-01-13. Review status: criteria provided, single submitter. Criteria: ICSL Variant Classification Criteria 13 December 2019. Collection method: clinical testing. Allele origin: germline.
Comment: This variant was observed in the ICSL laboratory as part of a predisposition screen in an ostensibly healthy population. It had not been previously curated by ICSL or reported in the Human Gene Mutation Database (HGMD: prior to June 1st, 2018), and was therefore a candidate for classification through an automated scoring system. Utilizing variant allele frequency, disease prevalence and penetrance estimates, and inheritance mode, an automated score was calculated to assess if this variant is too frequent to cause the disease. Based on the score and internal cut-off values, a variant classified as likely benign is not then subjected to further curation. The score for this variant resulted in a classification of likely benign for this disease.

Laboratory for Molecular Medicine, Mass General Brigham Personalized Medicine
Classification: Uncertain significance. Last evaluated: 2013-05-09. Review status: criteria provided, single submitter. Criteria: LMM Criteria. Collection method: clinical testing. Allele origin: germline. Observed: 1 variant allele.
Comment: The Lys1676Glu variant in MYH9 has not been reported in individuals affected wit h hearing loss, but has been identified in 0.1% (8/8600) of European American ch romosomes in a broad population by the NHLBI Exome sequencing project (s.; dbSNP rs138158369). Although this variant has been see n in the general population, a pathogenic role cannot be ruled out due to variab le expressivity and onset of hearing loss associated with MYH9 variants (Pecci 2 008). Computational analyses (biochemical amino acid properties, conservation, A lignGVGD, PolyPhen2, and SIFT) do not provide strong support for or against an i mpact to the protein. In summary, additional data is needed to determine the cli nical significance of this variant.

PreventionGenetics, part of Exact Sciences
Classification: Likely benign for MYH9-related condition. Last evaluated: 2022-03-21. Review status: no assertion criteria provided. Collection method: clinical testing. Allele origin: germline. Not counted in ClinVar's aggregate classification.
Comment: This variant is classified as likely benign based on ACMG/AMP sequence variant interpretation guidelines (Richards et al. 2015 PMID: 25741868, with internal and published modifications).

Literature cited by the submitters: PubMed 38025266 (cited by Women's Health and Genetics/Laboratory Corporation of America, LabCorp); PubMed 18059020 (cited by Laboratory for Molecular Medicine, Mass General Brigham Personalized Medicine).